The following is an entry in ClinVar:

ClinVar aggregate classification (germline): Uncertain significance (1 of 4 stars; one submission).

Conditions:
Beckwith-Wiedemann syndrome (BWS). Also called: EMG SYNDROME; Exomphalos macroglossia gigantism syndrome. Identifiers: Orphanet 116, MedGen C0004903, MONDO:0007534, OMIM 130650.

Submission:

Labcorp Genetics (formerly Invitae), Labcorp
Classification: Uncertain significance for Beckwith-Wiedemann syndrome. Last evaluated: 2022-12-08. Review status: criteria provided, single submitter. Criteria: Invitae Variant Classification Sherloc (09022015). Collection method: clinical testing. Allele origin: germline.
Comment: This variant is not present in population databases (gnomAD no frequency). This sequence change replaces arginine, which is basic and polar, with cysteine, which is neutral and slightly polar, at codon 92 of the CDKN1C protein (p.Arg92Cys). This variant has not been reported in the literature in individuals affected with CDKN1C-related conditions. Advanced modeling of protein sequence and biophysical properties (such as structural, functional, and spatial information, amino acid conservation, physicochemical variation, residue mobility, and thermodynamic stability) performed at Invitae indicates that this missense variant is not expected to disrupt CDKN1C protein function. In summary, the available evidence is currently insufficient to determine the role of this variant in disease. Therefore, it has been classified as a Variant of Uncertain Significance.

NM_001122630.2(CDKN1C):c.241C>T (p.Arg81Cys)

Gene: CDKN1C (cyclin dependent kinase inhibitor 1C; minus strand). Cytogenetic location: 11p15.4.
Variant type: single nucleotide variant.
Coding change: c.241C>T on transcript NM_001122630.2 (MANE Select); coding-DNA position 241, C replaced by T.
Protein change: p.Arg81Cys; replaces arginine 81 with cysteine.
Molecular consequence: missense variant.
Genome position (GRCh38, 1-based): chr11:2,885,216, G>A on the plus strand (C>T on the coding strand, the complement: CDKN1C is on the minus strand). VCF-style: chr11-2885216-G-A. GRCh37 (hg19) VCF-style: chr11-2906446-G-A.
Other names: c.274C>T, p.Arg92Cys (NM_000076.2, NM_001362474.2); c.241C>T, p.Arg81Cys (NM_001122631.2, NM_001362475.2); short protein forms R81C, R92C.
Identifiers: ClinVar variation 2168225 (VCV002168225.4), dbSNP rs1848969615, ClinGen allele CA379147121.